The following is an entry in ClinVar:

NM_003722.5(TP63):c.1349+4A>T

Gene: TP63 (tumor protein p63; plus strand). Cytogenetic location: 3q28.
Variant type: single nucleotide variant.
Coding change: c.1349+4A>T on transcript NM_003722.5 (MANE Select); 4 bases into the intron after coding-DNA position 1349, A replaced by T.
Molecular consequence: intron variant.
Genome position (GRCh38, 1-based): chr3:189,872,999, A>T. VCF-style: chr3-189872999-A-T. GRCh37 (hg19) VCF-style: chr3-189590788-A-T.
Other names: c.1343+4A>T (NM_001329964.2); c.1349+4A>T (NM_001114978.2, NM_001329144.2, NM_001114979.2); c.1337+4A>T (NM_001329148.2); c.1067+4A>T (NM_001114980.2, NM_001114981.2, NM_001329145.2 and 1 more transcripts); c.1055+4A>T (NM_001329149.2); c.812+4A>T (NM_001329146.2); c.800+4A>T (NM_001329150.2).
Identifiers: ClinVar variation 3777671 (VCV003777671.1).

ClinVar aggregate classification (germline): Uncertain significance (1 of 4 stars; one submission).

Submission:

GeneDx
Classification: Uncertain significance. Last evaluated: 2024-10-14. Review status: criteria provided, single submitter. Criteria: GeneDx Variant Classification Process June 2021. Collection method: clinical testing. Allele origin: germline. Affected: yes.
Comment: Not observed at significant frequency in large population cohorts (gnomAD); In silico analysis supports a deleterious effect on splicing; Has not been previously published as pathogenic or benign to our knowledge